The following is an entry in ClinVar:

ClinVar aggregate classification (germline): Uncertain significance. Review status: criteria provided, multiple submitters, no conflicts (2 of 4 stars). 2 submissions from 2 submitters: Uncertain significance (2). Last evaluated 2026-04-15.

Conditions:
Hereditary cancer-predisposing syndrome. Also called: Tumor predisposition; Hereditary neoplastic syndrome; Neoplastic Syndromes, Hereditary; Hereditary Cancer Syndrome. Identifiers: Orphanet 140162, MedGen C0027672, MeSH D009386, MONDO:0015356.
Familial cancer of breast. Also called: hereditary breast carcinoma; Hereditary breast cancer; BREAST CANCER, FAMILIAL. Identifiers: Orphanet 227535, MedGen C0346153, MONDO:0016419, OMIM 114480. Disease mechanism: loss of function.

Submissions (2):

Ambry Genetics
Classification: Uncertain significance for Hereditary cancer-predisposing syndrome. Last evaluated: 2026-04-15. Review status: criteria provided, single submitter. Criteria: Ambry Variant Classification Scheme 2023. Collection method: clinical testing. Allele origin: germline.
Comment: The p.L363H variant (also known as c.1088T>A), located in coding exon 9 of the CHEK2 gene, results from a T to A substitution at nucleotide position 1088. The leucine at codon 363 is replaced by histidine, an amino acid with similar properties. This amino acid position is conserved. In addition, the in silico prediction for this alteration is inconclusive. Based on the available evidence, the clinical significance of this variant remains unclear.

Labcorp Genetics (formerly Invitae), Labcorp
Classification: Uncertain significance for Familial cancer of breast. Last evaluated: 2025-07-28. Review status: criteria provided, single submitter. Criteria: Invitae Variant Classification Sherloc (09022015). Collection method: clinical testing. Allele origin: germline.
Comment: This sequence change replaces leucine, which is neutral and non-polar, with histidine, which is basic and polar, at codon 363 of the CHEK2 protein (p.Leu363His). This variant is not present in population databases (gnomAD no frequency). This variant has not been reported in the literature in individuals affected with CHEK2-related conditions. ClinVar contains an entry for this variant (Variation ID: 2745097). An algorithm developed to predict the effect of missense changes on protein structure and function (PolyPhen-2) suggests that this variant is likely to be disruptive. In summary, the available evidence is currently insufficient to determine the role of this variant in disease. Therefore, it has been classified as a Variant of Uncertain Significance.

NM_007194.4(CHEK2):c.1088T>A (p.Leu363His)

Gene: CHEK2 (checkpoint kinase 2; minus strand). Cytogenetic location: 22q12.1.
Variant type: single nucleotide variant.
Coding change: c.1088T>A on transcript NM_007194.4 (MANE Select); coding-DNA position 1088, T replaced by A.
Protein change: p.Leu363His; replaces leucine 363 with histidine.
Molecular consequence: missense variant. On other transcripts: intron variant (3).
Genome position (GRCh38, 1-based): chr22:28,696,908, A>T on the plus strand (T>A on the coding strand, the complement: CHEK2 is on the minus strand). VCF-style: chr22-28696908-A-T. GRCh37 (hg19) VCF-style: chr22-29092896-A-T.
Other names: c.1217T>A, p.Leu406His (NM_001005735.3); c.425T>A, p.Leu142His (NM_001257387.3, NM_001437942.1); c.887T>A, p.Leu296His (NM_001349956.3); c.1181T>A, p.Leu394His (NM_001438293.1); c.1009-1035T>A (NM_145862.3); c.1102-1035T>A (NM_001438295.1); c.1138-1035T>A (NM_001438294.1); c.1088T>A (NM_007194.3); short protein forms L296H, L406H, L142H, L363H, L394H.
Identifiers: ClinVar variation 2745097 (VCV002745097.4), dbSNP rs2145815695, ClinGen allele CA411097468.